The following is an entry in ClinVar:

NM_000368.5(TSC1):c.1209G>T (p.Ser403=)

Gene: TSC1 (TSC complex subunit 1; minus strand). Cytogenetic location: 9q34.13.
Variant type: single nucleotide variant.
Coding change: c.1209G>T on transcript NM_000368.5 (MANE Select); coding-DNA position 1209, G replaced by T.
Protein change: p.Ser403=; no amino-acid change (serine 403 retained).
Molecular consequence: synonymous variant.
Genome position (GRCh38, 1-based): chr9:132,910,625, C>A on the plus strand (G>T on the coding strand, the complement: TSC1 is on the minus strand). VCF-style: chr9-132910625-C-A. GRCh37 (hg19) VCF-style: chr9-135786012-C-A.
Other names: c.1206G>T, p.Ser402= (NM_001162426.2); c.1056G>T, p.Ser352= (NM_001162427.2); c.846G>T, p.Ser282= (NM_001362177.2).
Identifiers: ClinVar variation 669659 (VCV000669659.17), dbSNP rs141184479, ClinGen allele CA467593217.

ClinVar aggregate classification (germline): Benign/Likely benign. Review status: criteria provided, multiple submitters, no conflicts (2 of 4 stars). 6 submissions from 6 submitters: Benign (2); Likely benign (4). Last evaluated 2025-10-22.

Conditions:
Hereditary cancer-predisposing syndrome. Also called: Neoplastic Syndromes, Hereditary; Tumor predisposition; Hereditary neoplastic syndrome; Hereditary Cancer Syndrome. Identifiers: Orphanet 140162, MedGen C0027672, MeSH D009386, MONDO:0015356.
Tuberous sclerosis 1 (TSC1). Identifiers: Orphanet 805, MedGen C1854465, MONDO:0008612, OMIM 191100.
Tuberous sclerosis syndrome (TSC). Also called: Tuberous sclerosis; Tuberous Sclerosis Complex. Identifiers: Orphanet 805, MedGen C0041341, MONDO:0001734.

Submissions (6):

Labcorp Genetics (formerly Invitae), Labcorp
Classification: Likely benign for Tuberous sclerosis 1. Last evaluated: 2025-10-22. Review status: criteria provided, single submitter. Criteria: Invitae Variant Classification Sherloc (09022015). Collection method: clinical testing. Allele origin: germline.

Color Diagnostics, LLC DBA Color Health
Classification: Likely benign for Tuberous sclerosis syndrome. Last evaluated: 2025-09-29. Review status: criteria provided, single submitter. Criteria: ACMG Guidelines, 2015. Collection method: clinical testing. Allele origin: germline.

Myriad Genetics, Inc.
Classification: Benign for Tuberous sclerosis 1. Last evaluated: 2025-04-09. Review status: criteria provided, single submitter. Criteria: Myriad Autosomal Dominant, Autosomal Recessive and X-Linked Classification Criteria (2023). Collection method: clinical testing. Allele origin: unknown.
Comment: This variant is considered benign. This variant is a silent/synonymous amino acid change and it is not expected to impact splicing.

Genome-Nilou Lab
Classification: Benign for Tuberous sclerosis 1. Last evaluated: 2021-11-07. Review status: criteria provided, single submitter. Criteria: ACMG Guidelines, 2015. Collection method: clinical testing. Allele origin: germline. Affected: no.

Ambry Genetics
Classification: Likely benign for Hereditary cancer-predisposing syndrome. Last evaluated: 2019-09-28. Review status: criteria provided, single submitter. Criteria: Ambry Variant Classification Scheme 2023. Collection method: clinical testing. Allele origin: germline.

GeneDx
Classification: Likely benign. Last evaluated: 2018-03-28. Review status: criteria provided, single submitter. Criteria: GeneDx Variant Classification (06012015). Collection method: clinical testing. Allele origin: germline. Affected: yes.
Comment: This variant is considered likely benign or benign based on one or more of the following criteria: it is a conservative change, it occurs at a poorly conserved position in the protein, it is predicted to be benign by multiple in silico algorithms, and/or has population frequency not consistent with disease.